The following is an entry in ClinVar:

ClinVar aggregate classification (germline): Likely pathogenic (1 of 4 stars; one submission).

Conditions:
Episodic ataxia type 2 (EA2). Also called: ACETAZOLAMIDE-RESPONSIVE HEREDITARY PAROXYSMAL CEREBELLAR ATAXIA; ATAXIA, EPISODIC, WITH NYSTAGMUS; ATAXIA, FAMILIAL PAROXYSMAL; CEREBELLAR ATAXIA, PAROXYSMAL, ACETAZOLAMIDE-RESPONSIVE; CEREBELLOPATHY, HEREDITARY PAROXYSMAL; EPISODIC ATAXIA, NYSTAGMUS-ASSOCIATED. Identifiers: Orphanet 97, MedGen C1720416, MONDO:0007163, OMIM 108500.

Submission:

Institute of Human Genetics, University of Leipzig Medical Center
Classification: Likely pathogenic for Episodic ataxia type 2. Last evaluated: 2023-03-10. Review status: criteria provided, single submitter. Criteria: ACMG Guidelines, 2015. Collection method: clinical testing. Allele origin: unknown. Affected: yes.
Comment: _x000D_ Criteria applied: PVS1, PM2_SUP

NM_001127222.2(CACNA1A):c.1037_1082+113del

Genes: CACNA1A (calcium voltage-gated channel subunit alpha1 A; minus strand), LOC126862866 (MED14-independent group 3 enhancer GRCh37_chr19:13445719-13446918; plus strand). Cytogenetic location: 19p13.13.
Variant type: Deletion.
Coding change: c.1037_1082+113del on transcript NM_001127222.2 (MANE Select); coding-DNA position 1037 through 113 bases into the intron after coding-DNA position 1082, 159 bases deleted.
Molecular consequence: splice donor variant.
Genome position (GRCh38, 1-based): chr19:13,335,693-13,335,851, 159 bases deleted. GRCh37 (hg19): chr19:13,446,507-13,446,665.
Other names: c.1037_1082+113del (NM_001127221.2, NM_001174080.2, NM_000068.4 and 1 more transcripts).
Identifiers: ClinVar variation 2500296 (VCV002500296.1), dbSNP rs2513055080, ClinGen allele CA2580096604.